The following is an entry in ClinVar:

NM_001018115.3(FANCD2):c.1732G>A (p.Ala578Thr)

Genes: FANCD2 (FA complementation group D2; plus strand), LOC107303338 (3p25 FANCD2 Alu-mediated recombination region; plus strand). Cytogenetic location: 3p25.3.
Variant type: single nucleotide variant.
Coding change: c.1732G>A on transcript NM_001018115.3 (MANE Select); coding-DNA position 1732, G replaced by A.
Protein change: p.Ala578Thr; replaces alanine 578 with threonine.
Molecular consequence: missense variant.
Genome position (GRCh38, 1-based): chr3:10,060,369, G>A. VCF-style: chr3-10060369-G-A. GRCh37 (hg19) VCF-style: chr3-10102053-G-A.
Other names: c.1732G>A, p.Ala578Thr (NM_001319984.2, NM_001374254.1, NM_033084.6); c.1621G>A, p.Ala541Thr (NM_001374253.1); short protein forms A541T, A578T.
Identifiers: ClinVar variation 934265 (VCV000934265.9), dbSNP rs2087530880, ClinGen allele CA351727202.
Genomic context (GRCh38, chr3:10,060,369, plus strand): 5'-GTGATAAGAAAGCAGCTCTCTAGCACCGTATTCAAGTACAAGCTCATTGGGATTATTGGT[G>A]CTGTGACCATGGCTGGCATCATGGCGGCAGACAGGTACACGTGGAGATTCTGACTTCTGT-3'
Protein context (NP_001018125.1, residues 568-588): FKYKLIGIIG[Ala578Thr]VTMAGIMAAD

ClinVar aggregate classification (germline): Uncertain significance (1 of 4 stars; one submission).

Conditions:
Fanconi anemia (FA). Also called: Fanconi's anemia. Identifiers: Orphanet 84, MedGen C0015625, MeSH D005199, MONDO:0019391.

Submission:

Labcorp Genetics (formerly Invitae), Labcorp
Classification: Uncertain significance for Fanconi anemia. Last evaluated: 2022-10-13. Review status: criteria provided, single submitter. Criteria: Invitae Variant Classification Sherloc (09022015). Collection method: clinical testing. Allele origin: germline.
Comment: In summary, the available evidence is currently insufficient to determine the role of this variant in disease. Therefore, it has been classified as a Variant of Uncertain Significance. Advanced modeling of protein sequence and biophysical properties (such as structural, functional, and spatial information, amino acid conservation, physicochemical variation, residue mobility, and thermodynamic stability) performed at Invitae indicates that this missense variant is not expected to disrupt FANCD2 protein function. ClinVar contains an entry for this variant (Variation ID: 934265). This variant has not been reported in the literature in individuals affected with FANCD2-related conditions. This variant is not present in population databases (gnomAD no frequency). This sequence change replaces alanine, which is neutral and non-polar, with threonine, which is neutral and polar, at codon 578 of the FANCD2 protein (p.Ala578Thr).